The following is an entry in ClinVar:

NM_002471.4(MYH6):c.4359+1G>A

Gene: MYH6 (myosin heavy chain 6; minus strand). Cytogenetic location: 14q11.2.
Variant type: single nucleotide variant.
Coding change: c.4359+1G>A on transcript NM_002471.4 (MANE Select); the canonical splice donor site of the intron after coding-DNA position 4359, G replaced by A.
Molecular consequence: splice donor variant.
Genome position (GRCh38, 1-based): chr14:23,388,154, C>T on the plus strand (G>A on the coding strand, the complement: MYH6 is on the minus strand). VCF-style: chr14-23388154-C-T. GRCh37 (hg19) VCF-style: chr14-23857363-C-T.
Identifiers: ClinVar variation 4712524 (VCV004712524.1).

ClinVar aggregate classification (germline): Uncertain significance (1 of 4 stars; one submission).

Conditions:
Hypertrophic cardiomyopathy 14. Identifiers: MedGen C2750467, MONDO:0013197, OMIM 613251.

gnomAD v4.1: 1 of 1,612,174 alleles (0.000062%); highest among the groups gnomAD compares: Non-Finnish European, 0.000085%; no homozygotes.

Submission:

Labcorp Genetics (formerly Invitae), Labcorp
Classification: Uncertain significance for Hypertrophic cardiomyopathy 14. Last evaluated: 2025-02-07. Review status: criteria provided, single submitter. Criteria: Invitae Variant Classification Sherloc (09022015). Collection method: clinical testing. Allele origin: germline.
Comment: This sequence change affects a donor splice site in intron 30 of the MYH6 gene. It is expected to disrupt RNA splicing. Variants that disrupt the donor or acceptor splice site typically lead to a loss of protein function (PMID: 16199547), however the current clinical and genetic evidence is not sufficient to establish whether loss-of-function variants in MYH6 cause disease. This variant is not present in population databases (gnomAD no frequency). This variant has not been reported in the literature in individuals affected with MYH6-related conditions. Algorithms developed to predict the effect of sequence changes on RNA splicing suggest that this variant may disrupt the consensus splice site. In summary, the available evidence is currently insufficient to determine the role of this variant in disease. Therefore, it has been classified as a Variant of Uncertain Significance.

Literature cited by the submitters: PubMed 16199547.